The following is an entry in ClinVar:

NM_001083962.2(TCF4):c.902A>G (p.Asn301Ser)

Genes: TCF4 (transcription factor 4; minus strand), LOC126862757 (CDK7 strongly-dependent group 2 enhancer GRCh37_chr18:52936433-52937632; plus strand). Cytogenetic location: 18q21.2.
Variant type: single nucleotide variant.
Coding change: c.902A>G on transcript NM_001083962.2 (MANE Select); coding-DNA position 902, A replaced by G.
Protein change: p.Asn301Ser; replaces asparagine 301 with serine.
Molecular consequence: missense variant.
Genome position (GRCh38, 1-based): chr18:55,269,851, T>C on the plus strand (A>G on the coding strand, the complement: TCF4 is on the minus strand). VCF-style: chr18-55269851-T-C. GRCh37 (hg19) VCF-style: chr18-52937082-T-C.
Other names: c.689A>G, p.Asn230Ser (NM_001243232.1, NM_001306208.1); c.902A>G, p.Asn301Ser (NM_001330604.3, NM_001369571.1, NM_001369572.1 and 4 more transcripts); c.512A>G, p.Asn171Ser (NM_001330605.3, NM_001348212.2, NM_001348213.2 and 1 more transcripts); c.776A>G, p.Asn259Ser (NM_001348211.2, NM_001243231.2); c.899A>G, p.Asn300Ser (NM_001369573.1, NM_001369570.1, NM_001369569.1); c.830A>G, p.Asn277Ser (NM_001369575.1, NM_001369577.1, NM_001369582.1 and 9 more transcripts); c.827A>G, p.Asn276Ser (NM_001369576.1, NM_001369584.1, NM_001369585.1 and 3 more transcripts); c.422A>G, p.Asn141Ser (NM_001243234.2, NM_001243235.2, NM_001243236.2 and 2 more transcripts); and 4 more; short protein forms N301S, N141S, N259S, N276S, N299S, N300S, N85S, N230S.
Identifiers: ClinVar variation 452993 (VCV000452993.6), dbSNP rs1555789091, ClinGen allele CA402701128.

ClinVar aggregate classification (germline): Conflicting classifications of pathogenicity. Review status: criteria provided, conflicting classifications (1 of 4 stars). 2 submissions from 2 submitters: Uncertain significance (1); Likely benign (1). Last evaluated 2025-09-06.

Conditions:
Pitt-Hopkins syndrome (PTHS). Also called: MENTAL RETARDATION, SYNDROMAL, WITH INTERMITTENT HYPERVENTILATION; ENCEPHALOPATHY, SEVERE EPILEPTIC, WITH AUTONOMIC DYSFUNCTION. Identifiers: Orphanet 2896, MedGen C1970431, MONDO:0012589, OMIM 610954.

Allele frequency attached by ClinVar (database versions not stated): gnomAD exomes below 0.00001.
gnomAD v4.1: 6 of 1,613,146 alleles (0.00037%); highest among the groups gnomAD compares: Non-Finnish European, 0.00051%; no homozygotes.

Submissions (2):

Labcorp Genetics (formerly Invitae), Labcorp
Classification: Uncertain significance for Pitt-Hopkins syndrome. Last evaluated: 2025-09-06. Review status: criteria provided, single submitter. Criteria: Invitae Variant Classification Sherloc (09022015). Collection method: clinical testing. Allele origin: germline.
Comment: This sequence change replaces asparagine, which is neutral and polar, with serine, which is neutral and polar, at codon 301 of the TCF4 protein (p.Asn301Ser). This variant is not present in population databases (gnomAD no frequency). This variant has not been reported in the literature in individuals affected with TCF4-related conditions. ClinVar contains an entry for this variant (Variation ID: 452993). Invitae Evidence Modeling of protein sequence and biophysical properties (such as structural, functional, and spatial information, amino acid conservation, physicochemical variation, residue mobility, and thermodynamic stability) indicates that this missense variant is not expected to disrupt TCF4 protein function with a negative predictive value of 95%. In summary, the available evidence is currently insufficient to determine the role of this variant in disease. Therefore, it has been classified as a Variant of Uncertain Significance.

GeneDx
Classification: Likely benign. Last evaluated: 2018-04-04. Review status: criteria provided, single submitter. Criteria: GeneDx Variant Classification Process June 2021. Collection method: clinical testing. Allele origin: germline. Affected: yes.